The following is an entry in ClinVar:

NM_021175.4(HAMP):c.176G>A (p.Arg59Gln)

Gene: HAMP (hepcidin antimicrobial peptide; plus strand). Cytogenetic location: 19q13.12.
Variant type: single nucleotide variant.
Coding change: c.176G>A on transcript NM_021175.4 (MANE Select); coding-DNA position 176, G replaced by A.
Protein change: p.Arg59Gln; replaces arginine 59 with glutamine.
Molecular consequence: missense variant.
Genome position (GRCh38, 1-based): chr19:35,284,963, G>A. VCF-style: chr19-35284963-G-A. GRCh37 (hg19) VCF-style: chr19-35775866-G-A.
Other names: short protein forms R59Q.
Identifiers: ClinVar variation 3382950 (VCV003382950.2).

ClinVar aggregate classification (germline): Uncertain significance (1 of 4 stars; one submission).

Conditions:
Hemochromatosis type 2B (HFE2B). Also called: Juvenile-Onset Hemochromatosis; HAMP-Related Juvenile Hemochromatosis. Identifiers: Orphanet 79230, MedGen C1865616, MONDO:0013220, OMIM 613313.

gnomAD v4.1: 4 of 1,613,792 alleles (0.00025%); highest among the groups gnomAD compares: African/African-American, 0.0013%; no homozygotes.

Submission:

Juno Genomics, Hangzhou Juno Genomics, Inc
Classification: Uncertain significance for Hemochromatosis type 2B. Review status: criteria provided, single submitter. Criteria: ACMG Guidelines, 2015. Collection method: clinical testing. Allele origin: germline. Affected: yes.
Comment: Absent from controls (or at extremely low frequency if recessive) in Genome Aggregation Database, Exome Sequencing Project, 1000 Genomes Project, or Exome Aggregation Consortium.;Patient's phenotype or family history is highly specific for a disease with a single genetic etiology.